The following is an entry in ClinVar:

ClinVar aggregate classification (germline): Uncertain significance (1 of 4 stars; one submission).

Conditions:
Inborn genetic diseases. Identifiers: MedGen C0950123, MeSH D030342.

Submission:

Ambry Genetics
Classification: Uncertain significance for Inborn genetic diseases. Last evaluated: 2024-10-12. Review status: criteria provided, single submitter. Criteria: Ambry Variant Classification Scheme 2023. Collection method: clinical testing. Allele origin: germline.
Comment: The p.R1957S variant (also known as c.5869C>A), located in coding exon 40 of the LRRK2 gene, results from a C to A substitution at nucleotide position 5869. The arginine at codon 1957 is replaced by serine, an amino acid with dissimilar properties. This amino acid position is conserved. In addition, the in silico prediction for this alteration is inconclusive. Based on the available evidence, the clinical significance of this variant remains unclear.

NM_198578.4(LRRK2):c.5869C>A (p.Arg1957Ser)

Gene: LRRK2 (leucine rich repeat kinase 2; plus strand). Cytogenetic location: 12q12.
Variant type: single nucleotide variant.
Coding change: c.5869C>A on transcript NM_198578.4 (MANE Select); coding-DNA position 5869, C replaced by A.
Protein change: p.Arg1957Ser; replaces arginine 1957 with serine.
Molecular consequence: missense variant.
Genome position (GRCh38, 1-based): chr12:40,335,078, C>A. VCF-style: chr12-40335078-C-A. GRCh37 (hg19) VCF-style: chr12-40728880-C-A.
Other names: short protein forms R1957S.
Identifiers: ClinVar variation 3540726 (VCV003540726.1).